The following is an entry in ClinVar:

ClinVar aggregate classification (germline): Uncertain significance (1 of 4 stars; one submission).

Submission:

Women's Health and Genetics/Laboratory Corporation of America, LabCorp
Classification: Uncertain significance. Last evaluated: 2024-03-29. Review status: criteria provided, single submitter. Criteria: LabCorp Variant Classification Summary - May 2015. Collection method: clinical testing. Allele origin: germline.
Comment: Variant summary: MYH7 c.4132delG (p.Asp1378ThrfsX51) results in a premature termination codon, predicted to cause absence of the protein due to nonsense mediated decay, however the molecular mechanism of disease attributed to MYH7 is gain-of-function. The variant was absent in 251472 control chromosomes (gnomAD). The available data on variant occurrences in the general population are insufficient to allow any conclusion about variant significance. To our knowledge, no occurrence of c.4132delG in individuals affected with Cardiomyopathy and no experimental evidence demonstrating its impact on protein function have been reported. No submitters have cited clinical-significance assessments for this variant to ClinVar. Based on the evidence outlined above, the variant was classified as uncertain significance.

NM_000257.4(MYH7):c.4132del (p.Asp1378fs)

Gene: MYH7 (myosin heavy chain 7; minus strand). Cytogenetic location: 14q11.2.
Variant type: Deletion.
Coding change: c.4132del on transcript NM_000257.4 (MANE Select); coding-DNA position 4132, one base deleted (G; older notation c.4132delG).
Protein change: p.Asp1378fs; shifts the reading frame from aspartic acid 1378.
Molecular consequence: frameshift variant.
Genome position (GRCh38, 1-based): chr14:23,418,247, C deleted on the plus strand (G on the coding strand, the reverse complement: MYH7 is on the minus strand); the first of 2 consecutive C bases (chr14:23,418,247-23,418,248); deleting either gives the same sequence. VCF-style (leftmost placement, unchanged base first): chr14-23418246-TC-T. GRCh37 (hg19) VCF-style: chr14-23887455-TC-T.
Other names: c.4132del, p.Asp1378fs (NM_001407004.1); c.4132delG (NM_000257.4); short protein forms D1378fs.
Identifiers: ClinVar variation 3233552 (VCV003233552.2), dbSNP rs2502255809, ClinGen allele CA2825002213.